The following is an entry in ClinVar:

ClinVar aggregate classification (germline): Conflicting classifications of pathogenicity. Review status: criteria provided, conflicting classifications (1 of 4 stars). 5 submissions from 5 submitters: Uncertain significance (3); Likely benign (2). Last evaluated 2026-01-26.

Conditions:
POLD1-related polyposis and colorectal cancer syndrome (CRCS10). Also called: COLORECTAL CANCER, SUSCEPTIBILITY TO, ON CHROMOSOME 19q; Colorectal cancer 10; Colorectal cancer, susceptibility to, 10. Identifiers: Orphanet 220460, MedGen C2675481, MONDO:0012953, OMIM 612591.

Allele frequency attached by ClinVar (database versions not stated): gnomAD 0.00005 and 0.00006; ESP Exome Variant Server 0.00008; TOPMed 0.00010; 1000 Genomes Project 30x 0.00016; 1000 Genomes Project 0.00020.
gnomAD v4.1: 116 of 1,607,494 alleles (0.0072%); highest among the groups gnomAD compares: Admixed American, 0.01%; no homozygotes.

Submissions (5):

Labcorp Genetics (formerly Invitae), Labcorp
Classification: Likely benign for POLD1-related polyposis and colorectal cancer syndrome. Last evaluated: 2026-01-26. Review status: criteria provided, single submitter. Criteria: Invitae Variant Classification Sherloc (09022015). Collection method: clinical testing. Allele origin: germline.

Dasa
Classification: Uncertain significance for POLD1-related polyposis and colorectal cancer syndrome. Last evaluated: 2025-11-19. Review status: criteria provided, single submitter. Criteria: DASA Assertion Criteria. Collection method: clinical testing. Allele origin: germline.
Comment: NM_002691.4(POLD1):c.2717+15G>A is an intronic variant. This variant is rare in population databases. Computational prediction algorithms are consistent with a deleterious effect. The currently available literature and clinical evidence are not sufficient to establish a definitive association between this variant and the reported condition. Therefore, this variant is classified as a variant of uncertain significance.

Blueprint Genetics
Classification: Likely benign. Last evaluated: 2024-05-03. Review status: criteria provided, single submitter. Criteria: ACMG Guidelines, 2015. Collection method: clinical testing. Allele origin: germline.

St. Jude Molecular Pathology, St. Jude Children's Research Hospital
Classification: Uncertain significance for POLD1-related polyposis and colorectal cancer syndrome. Last evaluated: 2023-09-08. Review status: criteria provided, single submitter. Criteria: St. Jude Assertion Criteria 2020. Collection method: clinical testing. Allele origin: germline.
Comment: The POLD1 c.2717+15G>A intronic change results in a G to A substitution at the +15 position of intron 21 of the POLD1 gene. Algorithms that predict the impact of sequence changes on splicing indicate that this change may impact splicing. This variant has a maximum subpopulation frequency of 0.015% in gnomAD v2.1.1. To our knowledge, this variant has not been reported in the literature in individuals with POLD1-related disease. In summary, the evidence currently available is insufficient to determine the clinical significance of this variant. It has therefore been classified as of uncertain significance.

GeneDx
Classification: Uncertain significance. Last evaluated: 2017-12-26. Review status: criteria provided, single submitter. Criteria: GeneDx Variant Classification (06012015). Collection method: clinical testing. Allele origin: germline. Affected: yes.
Comment: This variant is denoted POLD1 c.2717+15G>A or IVS21+15G>A and consists of a G>A nucleotide substitution at the +15 position of intron 21 of the POLD1 gene. In silico models are inconclusive with respect to splicing and, in the absence of RNA or functional studies, the actual effect of this variant is unknown. This variant has not, to our knowledge, been published in the literature as pathogenic or benign. POLD1 c.2717+15G>A was not observed at a significant allele frequency in large population cohorts (Lek 2016). The guanine (G) nucleotide that is altered is not conserved. Based on currently available information, it is unclear whether POLD1 c.2717+15G>A is pathogenic or benign. We consider it to be a variant of uncertain significance.

NM_002691.4(POLD1):c.2717+15G>A

Gene: POLD1 (DNA polymerase delta 1, catalytic subunit; plus strand). Cytogenetic location: 19q13.33.
Variant type: single nucleotide variant.
Coding change: c.2717+15G>A on transcript NM_002691.4 (MANE Select); 15 bases into the intron after coding-DNA position 2717, G replaced by A.
Molecular consequence: intron variant.
Genome position (GRCh38, 1-based): chr19:50,415,605, G>A. VCF-style: chr19-50415605-G-A. GRCh37 (hg19) VCF-style: chr19-50918862-G-A.
Other names: c.2795+15G>A (LRG_785t2, NM_001308632.1); c.2717+15G>A (LRG_785t1, NM_001256849.1).
Identifiers: ClinVar variation 422645 (VCV000422645.12), dbSNP rs372493810, ClinGen allele CA9596625.